The following is an entry in ClinVar:

ClinVar aggregate classification (germline): Uncertain significance. Review status: criteria provided, multiple submitters, no conflicts (2 of 4 stars). 2 submissions from 2 submitters: Uncertain significance (2). Last evaluated 2026-07-06.

Conditions:
Bloom syndrome (BLM). Also called: Bloom-Torre-Machacek syndrome. Identifiers: Orphanet 125, MedGen C0005859, MONDO:0008876, OMIM 210900.
Hereditary cancer-predisposing syndrome. Also called: Tumor predisposition; Hereditary neoplastic syndrome; Neoplastic Syndromes, Hereditary; Hereditary Cancer Syndrome. Identifiers: Orphanet 140162, MedGen C0027672, MeSH D009386, MONDO:0015356.

Allele frequency attached by ClinVar (database versions not stated): gnomAD 0.00001; gnomAD exomes below 0.00001.
gnomAD v4.1: 3 of 1,613,978 alleles (0.00019%); highest among the groups gnomAD compares: Non-Finnish European, 0.00025%; no homozygotes.

Submissions (2):

Ambry Genetics
Classification: Uncertain significance for Hereditary cancer-predisposing syndrome. Last evaluated: 2026-07-06. Review status: criteria provided, single submitter. Criteria: Ambry Variant Classification Scheme 2023. Collection method: clinical testing. Allele origin: germline.
Comment: The p.D1152Y variant (also known as c.3454G>T), located in coding exon 17 of the BLM gene, results from a G to T substitution at nucleotide position 3454. The aspartic acid at codon 1152 is replaced by tyrosine, an amino acid with highly dissimilar properties. This amino acid position is conserved. In addition, this alteration is predicted to be deleterious by in silico analysis. Based on the available evidence, the clinical significance of this variant remains unclear.

Labcorp Genetics (formerly Invitae), Labcorp
Classification: Uncertain significance for Bloom syndrome. Last evaluated: 2024-07-30. Review status: criteria provided, single submitter. Criteria: Invitae Variant Classification Sherloc (09022015). Collection method: clinical testing. Allele origin: germline.
Comment: This sequence change replaces aspartic acid, which is acidic and polar, with tyrosine, which is neutral and polar, at codon 1152 of the BLM protein (p.Asp1152Tyr). This variant is present in population databases (no rsID available, gnomAD 0.0009%). This variant has not been reported in the literature in individuals affected with BLM-related conditions. ClinVar contains an entry for this variant (Variation ID: 858252). Advanced modeling of protein sequence and biophysical properties (such as structural, functional, and spatial information, amino acid conservation, physicochemical variation, residue mobility, and thermodynamic stability) performed at Invitae indicates that this missense variant is expected to disrupt BLM protein function with a positive predictive value of 80%. In summary, the available evidence is currently insufficient to determine the role of this variant in disease. Therefore, it has been classified as a Variant of Uncertain Significance.

NM_000057.4(BLM):c.3454G>T (p.Asp1152Tyr)

Gene: BLM (BLM RecQ like helicase; plus strand). Cytogenetic location: 15q26.1.
Variant type: single nucleotide variant.
Coding change: c.3454G>T on transcript NM_000057.4 (MANE Select); coding-DNA position 3454, G replaced by T.
Protein change: p.Asp1152Tyr; replaces aspartic acid 1152 with tyrosine.
Molecular consequence: missense variant. On other transcripts: intron variant (1).
Genome position (GRCh38, 1-based): chr15:90,803,616, G>T. VCF-style: chr15-90803616-G-T. GRCh37 (hg19) VCF-style: chr15-91346846-G-T.
Other names: c.3454G>T, p.Asp1152Tyr (NM_001287246.2); c.2329G>T, p.Asp777Tyr (NM_001287248.2); c.3358+5279G>T (NM_001287247.2); c.3454G>T (NM_000057.2); short protein forms D1152Y, D777Y.
Identifiers: ClinVar variation 858252 (VCV000858252.12), dbSNP rs1156919580, ClinGen allele CA393847629.